The following is an entry in ClinVar:

ClinVar aggregate classification (germline): Uncertain significance (1 of 4 stars; one submission).

Conditions:
UCP3-related disorder. Also called: UCP3-related condition.

Submission:

PreventionGenetics, part of Exact Sciences
Classification: Uncertain significance for UCP3-related condition. Last evaluated: 2025-05-09. Review status: criteria provided, single submitter. Criteria: ACMG Guidelines, 2015. Collection method: clinical testing. Allele origin: germline.
Comment: The UCP3 c.4G>T variant is predicted to result in the amino acid substitution p.Val2Phe. To our knowledge, this variant has not been reported in the literature or in a large population database (gnomAD), indicating this variant is rare. At this time, the clinical significance of this variant is uncertain due to the absence of conclusive functional and genetic evidence.

NM_003356.4(UCP3):c.4G>T (p.Val2Phe)

Gene: UCP3 (uncoupling protein 3; minus strand). Cytogenetic location: 11q13.4.
Variant type: single nucleotide variant.
Coding change: c.4G>T on transcript NM_003356.4 (MANE Select); coding-DNA position 4, G replaced by T.
Protein change: p.Val2Phe; replaces valine 2 with phenylalanine.
Molecular consequence: missense variant.
Genome position (GRCh38, 1-based): chr11:74,007,039, C>A on the plus strand (G>T on the coding strand, the complement: UCP3 is on the minus strand). VCF-style: chr11-74007039-C-A. GRCh37 (hg19) VCF-style: chr11-73718084-C-A.
Other names: c.4G>T, p.Val2Phe (NM_022803.3); short protein forms V2F.
Identifiers: ClinVar variation 4984531 (VCV004984531.1).